The following is an entry in ClinVar:

ClinVar aggregate classification (germline): Uncertain significance. Review status: criteria provided, multiple submitters, no conflicts (2 of 4 stars). 2 submissions from 2 submitters: Uncertain significance (2). Last evaluated 2026-03-07.

Conditions:
Bloom syndrome (BLM). Also called: Bloom-Torre-Machacek syndrome. Identifiers: Orphanet 125, MedGen C0005859, MONDO:0008876, OMIM 210900.
Hereditary cancer-predisposing syndrome. Also called: Neoplastic Syndromes, Hereditary; Tumor predisposition; Hereditary Cancer Syndrome; Hereditary neoplastic syndrome. Identifiers: Orphanet 140162, MedGen C0027672, MeSH D009386, MONDO:0015356.

Submissions (2):

Ambry Genetics
Classification: Uncertain significance for Hereditary cancer-predisposing syndrome. Last evaluated: 2026-03-07. Review status: criteria provided, single submitter. Criteria: Ambry Variant Classification Scheme 2023. Collection method: clinical testing. Allele origin: germline.
Comment: The p.D388G variant (also known as c.1163A>G), located in coding exon 5 of the BLM gene, results from an A to G substitution at nucleotide position 1163. The aspartic acid at codon 388 is replaced by glycine, an amino acid with similar properties. This amino acid position is conserved. In addition, this alteration is predicted to be tolerated by in silico analysis. Based on the available evidence, the clinical significance of this variant remains unclear.

Labcorp Genetics (formerly Invitae), Labcorp
Classification: Uncertain significance for Bloom syndrome. Last evaluated: 2024-03-26. Review status: criteria provided, single submitter. Criteria: Invitae Variant Classification Sherloc (09022015). Collection method: clinical testing. Allele origin: germline.
Comment: This sequence change replaces aspartic acid, which is acidic and polar, with glycine, which is neutral and non-polar, at codon 388 of the BLM protein (p.Asp388Gly). This variant is not present in population databases (gnomAD no frequency). This variant has not been reported in the literature in individuals affected with BLM-related conditions. ClinVar contains an entry for this variant (Variation ID: 1999113). Advanced modeling of protein sequence and biophysical properties (such as structural, functional, and spatial information, amino acid conservation, physicochemical variation, residue mobility, and thermodynamic stability) performed at Invitae indicates that this missense variant is not expected to disrupt BLM protein function with a negative predictive value of 80%. In summary, the available evidence is currently insufficient to determine the role of this variant in disease. Therefore, it has been classified as a Variant of Uncertain Significance.

NM_000057.4(BLM):c.1163A>G (p.Asp388Gly)

Gene: BLM (BLM RecQ like helicase; plus strand). Cytogenetic location: 15q26.1.
Variant type: single nucleotide variant.
Coding change: c.1163A>G on transcript NM_000057.4 (MANE Select); coding-DNA position 1163, A replaced by G.
Protein change: p.Asp388Gly; replaces aspartic acid 388 with glycine.
Molecular consequence: missense variant.
Genome position (GRCh38, 1-based): chr15:90,760,222, A>G. VCF-style: chr15-90760222-A-G. GRCh37 (hg19) VCF-style: chr15-91303452-A-G.
Other names: c.1163A>G, p.Asp388Gly (NM_001287246.2, NM_001287247.2); c.38A>G, p.Asp13Gly (NM_001287248.2); short protein forms D388G, D13G.
Identifiers: ClinVar variation 1999113 (VCV001999113.5), dbSNP rs2505422130, ClinGen allele CA393842450.